The following is an entry in ClinVar:

NM_001134407.3(GRIN2A):c.1386T>A (p.Asp462Glu)

Gene: GRIN2A (glutamate ionotropic receptor NMDA type subunit 2A; minus strand). Cytogenetic location: 16p13.2.
Variant type: single nucleotide variant.
Coding change: c.1386T>A on transcript NM_001134407.3 (MANE Select); coding-DNA position 1386, T replaced by A.
Protein change: p.Asp462Glu; replaces aspartic acid 462 with glutamic acid.
Molecular consequence: missense variant.
Genome position (GRCh38, 1-based): chr16:9,841,047, A>T on the plus strand (T>A on the coding strand, the complement: GRIN2A is on the minus strand). VCF-style: chr16-9841047-A-T. GRCh37 (hg19) VCF-style: chr16-9934904-A-T.
Other names: c.1386T>A, p.Asp462Glu (NM_000833.5, NM_001134408.2); short protein forms D462E.
Identifiers: ClinVar variation 2580742 (VCV002580742.2), dbSNP rs763745544, ClinGen allele CA7896734.

ClinVar aggregate classification (germline): Uncertain significance (1 of 4 stars; one submission).

Allele frequency attached by ClinVar (database versions not stated): ExAC 0.00001.

Submission:

GeneDx
Classification: Uncertain significance. Last evaluated: 2025-05-29. Review status: criteria provided, single submitter. Criteria: GeneDx Variant Classification Process June 2021. Collection method: clinical testing. Allele origin: germline.
Comment: Not observed at significant frequency in large population cohorts (gnomAD); In silico analysis supports that this missense variant has a deleterious effect on protein structure/function; Has not been previously published as pathogenic or benign to our knowledge; This variant is associated with the following publications: (PMID: 27839871, 37319252)